The following is an entry in ClinVar:

ClinVar aggregate classification (germline): Uncertain significance. Review status: criteria provided, multiple submitters, no conflicts (2 of 4 stars). 2 submissions from 2 submitters: Uncertain significance (2). Last evaluated 2024-05-08.

gnomAD v4.1: 1 of 1,613,834 alleles (0.000062%); no homozygotes.

Submissions (2):

GeneDx
Classification: Uncertain significance. Last evaluated: 2024-05-08. Review status: criteria provided, single submitter. Criteria: GeneDx Variant Classification Process June 2021. Collection method: clinical testing. Allele origin: germline. Affected: yes.
Comment: Missense variant in a gene in which most reported pathogenic variants are truncating/loss of function; Has not been previously published as pathogenic or benign to our knowledge

Blueprint Genetics
Classification: Uncertain significance. Last evaluated: 2020-10-20. Review status: criteria provided, single submitter. Criteria: ACMG Guidelines, 2015. Collection method: clinical testing. Allele origin: germline.

NM_001267550.2(TTN):c.11008A>T (p.Thr3670Ser)

Gene: TTN (titin; minus strand). Cytogenetic location: 2q31.2.
Variant type: single nucleotide variant.
Coding change: c.11008A>T on transcript NM_001267550.2 (MANE Select); coding-DNA position 11008, A replaced by T.
Protein change: p.Thr3670Ser; replaces threonine 3670 with serine.
Molecular consequence: missense variant. On other transcripts: intron variant (5).
Genome position (GRCh38, 1-based): chr2:178,756,468, T>A on the plus strand (A>T on the coding strand, the complement: TTN is on the minus strand). VCF-style: chr2-178756468-T-A. GRCh37 (hg19) VCF-style: chr2-179621195-T-A.
Other names: c.10495A>T, p.Thr3499Ser (NM_133437.4); c.10165+2516A>T (NM_003319.4); c.10540+1074A>T (NM_133432.3); c.10303+2516A>T (NM_133378.4, NM_001256850.1, NM_133379.5); short protein forms T3499S, T3670S.
Identifiers: ClinVar variation 3375553 (VCV003375553.2).